The following is an entry in ClinVar:

NM_000900.5(MGP):c.206A>G (p.Asn69Ser)

Gene: MGP (matrix Gla protein; minus strand). Cytogenetic location: 12p12.3.
Variant type: single nucleotide variant.
Coding change: c.206A>G on transcript NM_000900.5 (MANE Select); coding-DNA position 206, A replaced by G.
Protein change: p.Asn69Ser; replaces asparagine 69 with serine.
Molecular consequence: missense variant.
Genome position (GRCh38, 1-based): chr12:14,882,245, T>C on the plus strand (A>G on the coding strand, the complement: MGP is on the minus strand). VCF-style: chr12-14882245-T-C. GRCh37 (hg19) VCF-style: chr12-15035179-T-C.
Other names: c.281A>G, p.Asn94Ser (NM_001190839.3); short protein forms N69S, N94S.
Identifiers: ClinVar variation 1021830 (VCV001021830.8), dbSNP rs769733612, ClinGen allele CA6465143.
Genomic context (GRCh38, chr12:14,882,245, plus strand): 5'-TTGTATCCATAAACCATGGCGTAGCGTTCGCAAAGTCTGTAGTCATCACAGGCTTCCCTA[T>C]TGAGCTCGTGGACAGGCTTAGAGCGTTCTCGGATCCTAGAAAGTGGAAGAAGAGGCCAAA-3'
Protein context (NP_000891.2, residues 59-79): RERSKPVHEL[Asn69Ser]REACDDYRLC

ClinVar aggregate classification (germline): Uncertain significance (1 of 4 stars; one submission).

Allele frequency attached by ClinVar (database versions not stated): gnomAD exomes below 0.00001; ExAC 0.00001; TOPMed 0.00001.
gnomAD v4.1: 5 of 1,614,052 alleles (0.00031%); highest among the groups gnomAD compares: African/African-American, 0.0013%; no homozygotes.

Submission:

Labcorp Genetics (formerly Invitae), Labcorp
Classification: Uncertain significance. Last evaluated: 2022-09-27. Review status: criteria provided, single submitter. Criteria: Invitae Variant Classification Sherloc (09022015). Collection method: clinical testing. Allele origin: germline.
Comment: This sequence change replaces asparagine, which is neutral and polar, with serine, which is neutral and polar, at codon 69 of the MGP protein (p.Asn69Ser). This variant is present in population databases (rs769733612, gnomAD 0.007%). This variant has not been reported in the literature in individuals affected with MGP-related conditions. ClinVar contains an entry for this variant (Variation ID: 1021830). Algorithms developed to predict the effect of missense changes on protein structure and function output the following: SIFT: "Tolerated"; PolyPhen-2: "Benign"; Align-GVGD: "Class C0". The serine amino acid residue is found in multiple mammalian species, which suggests that this missense change does not adversely affect protein function. In summary, the available evidence is currently insufficient to determine the role of this variant in disease. Therefore, it has been classified as a Variant of Uncertain Significance.